The following is an entry in ClinVar:

ClinVar aggregate classification (germline): Uncertain significance. Review status: criteria provided, multiple submitters, no conflicts (2 of 4 stars). 3 submissions from 3 submitters: Uncertain significance (2). 1 of the submissions does not count toward it. Last evaluated 2026-03-01.

Conditions:
Dyskeratosis congenita. Identifiers: Orphanet 1775, MedGen C0265965, MONDO:0015780.
Dyskeratosis congenita, autosomal recessive 2 (DKCB2). Identifiers: Orphanet 1775, MedGen C3151441, MONDO:0013519, OMIM 613987.

Allele frequency attached by ClinVar (database versions not stated): gnomAD exomes 0.00001; TOPMed 0.00001; gnomAD 0.00002.

Submissions (3):

CeGaT Center for Human Genetics Tuebingen
Classification: Uncertain significance. Last evaluated: 2026-03-01. Review status: criteria provided, single submitter. Criteria: CeGaT Center For Human Genetics Tuebingen Variant Classification Criteria Version 2. Collection method: clinical testing. Allele origin: germline. Affected: yes. Observed: 1 variant allele.
Comment: NHP2: PM2, BP4

Ambry Genetics
Classification: Uncertain significance for Dyskeratosis congenita. Last evaluated: 2025-08-26. Review status: criteria provided, single submitter. Criteria: Ambry Variant Classification Scheme 2023. Collection method: clinical testing. Allele origin: germline.

UOSD Laboratory of Genetics & Genomics of Rare Diseases, Istituto Giannina Gaslini
Classification: Uncertain significance for Dyskeratosis congenita, autosomal recessive 2. Last evaluated: 2020-05-21. Review status: no assertion criteria provided. Collection method: clinical testing. Allele origin: germline. Affected: yes. Observed: 1 variant allele. Not counted in ClinVar's aggregate classification.

NM_017838.4(NHP2):c.50C>T (p.Ala17Val)

Gene: NHP2 (NHP2 ribonucleoprotein; minus strand). Cytogenetic location: 5q35.3.
Variant type: single nucleotide variant.
Coding change: c.50C>T on transcript NM_017838.4 (MANE Select); coding-DNA position 50, C replaced by T.
Protein change: p.Ala17Val; replaces alanine 17 with valine.
Molecular consequence: missense variant.
Genome position (GRCh38, 1-based): chr5:178,153,768, G>A on the plus strand (C>T on the coding strand, the complement: NHP2 is on the minus strand). VCF-style: chr5-178153768-G-A. GRCh37 (hg19) VCF-style: chr5-177580769-G-A.
Other names: c.50C>T, p.Ala17Val (NM_001034833.2); short protein forms A17V.
Identifiers: ClinVar variation 973656 (VCV000973656.6), dbSNP rs1467408923, ClinGen allele CA362393084.
Genomic context (GRCh38, chr5:178,153,768, plus strand): 5'-GGCTGCGCGATGGGGTTCTGGTTGACCAGCAGCTCCTGGTAGGTGCGCTCCCCGGAACAC[G>A]CCTCCGCCTGAGCCTCGGGCCCGTCGGGATCTGCCTTTATTTTGGTCATCGCAGCGGCCG-3'
Protein context (NP_060308.1, residues 7-27): DPDGPEAQAE[Ala17Val]CSGERTYQEL